The following is an entry in ClinVar:

ClinVar aggregate classification (germline): Conflicting classifications of pathogenicity. Review status: criteria provided, conflicting classifications (1 of 4 stars). 3 submissions from 3 submitters: Uncertain significance (2); Likely benign (1). Last evaluated 2026-05-04.

Conditions:
Catecholaminergic polymorphic ventricular tachycardia 1. Also called: RYR2-Related Catecholaminergic Polymorphic Ventricular Tachycardia; VENTRICULAR TACHYCARDIA, CATECHOLAMINERGIC POLYMORPHIC, 1, WITH OR WITHOUT ATRIAL DYSFUNCTION AND/OR DILATED CARDIOMYOPATHY; VENTRICULAR TACHYCARDIA, STRESS-INDUCED POLYMORPHIC 1. Identifiers: Orphanet 3286, MedGen C1631597, MONDO:0011484, OMIM 604772.

Allele frequency attached by ClinVar (database versions not stated): TOPMed 0.00001.

Submissions (3):

Women's Health and Genetics/Laboratory Corporation of America, LabCorp
Classification: Likely benign. Last evaluated: 2026-05-04. Review status: criteria provided, single submitter. Criteria: LabCorp Variant Classification Summary - May 2015. Collection method: clinical testing. Allele origin: germline.

GeneDx
Classification: Uncertain significance. Last evaluated: 2025-11-21. Review status: criteria provided, single submitter. Criteria: GeneDx Variant Classification Process June 2021. Collection method: clinical testing. Allele origin: germline.
Comment: Not observed at significant frequency in large population cohorts (gnomAD); In silico analysis supports a deleterious effect on splicing; Has not been previously published as pathogenic or benign to our knowledge

Labcorp Genetics (formerly Invitae), Labcorp
Classification: Uncertain significance for Catecholaminergic polymorphic ventricular tachycardia 1. Last evaluated: 2025-10-09. Review status: criteria provided, single submitter. Criteria: Invitae Variant Classification Sherloc (09022015). Collection method: clinical testing. Allele origin: germline.
Comment: This sequence change affects codon 1568 of the RYR2 mRNA. It is a 'silent' change, meaning that it does not change the encoded amino acid sequence of the RYR2 protein. This variant is not present in population databases (gnomAD no frequency). This variant has not been reported in the literature in individuals affected with RYR2-related conditions. ClinVar contains an entry for this variant (Variation ID: 1051447). Algorithms developed to predict the effect of sequence changes on RNA splicing suggest that this variant may disrupt the consensus splice site. In summary, the available evidence is currently insufficient to determine the role of this variant in disease. Therefore, it has been classified as a Variant of Uncertain Significance.

NM_001035.3(RYR2):c.4704G>A (p.Ala1568=)

Gene: RYR2 (ryanodine receptor 2; plus strand). Cytogenetic location: 1q43.
Variant type: single nucleotide variant.
Coding change: c.4704G>A on transcript NM_001035.3 (MANE Select); coding-DNA position 4704, G replaced by A.
Protein change: p.Ala1568=; no amino-acid change (alanine 1568 retained).
Molecular consequence: synonymous variant.
Genome position (GRCh38, 1-based): chr1:237,610,782, G>A. VCF-style: chr1-237610782-G-A. GRCh37 (hg19) VCF-style: chr1-237774082-G-A.
Other names: c.4704G>A (NM_001035.2).
Identifiers: ClinVar variation 1051447 (VCV001051447.13), dbSNP rs1376915958, ClinGen allele CA424030856.
Genomic context (GRCh38, chr1:237,610,782, plus strand): 5'-TGTTCTACATTTATTCTTTTTCTGCCTCCCCATCCGCTAGAATGTGATGCCTCTCTCGGC[G>A]GGATTATTCAAGAGTGAGCACAAGAACCCCGTGCCGCAGTGCCCCCCGCGCCTCCACGTG-3'
Protein context (NP_001026.2, residues 1558-1578): GRIKNVMPLS[Ala1568=]GLFKSEHKNP